The following is an entry in ClinVar:

NM_001367823.1(ARHGEF18):c.1245T>A (p.Ser415Arg)

Gene: ARHGEF18 (Rho/Rac guanine nucleotide exchange factor 18; plus strand). Cytogenetic location: 19p13.2.
Variant type: single nucleotide variant.
Coding change: c.1245T>A on transcript NM_001367823.1 (MANE Select); coding-DNA position 1245, T replaced by A.
Protein change: p.Ser415Arg; replaces serine 415 with arginine.
Molecular consequence: missense variant.
Genome position (GRCh38, 1-based): chr19:7,441,937, T>A. VCF-style: chr19-7441937-T-A. GRCh37 (hg19) VCF-style: chr19-7506823-T-A.
Other names: c.519T>A, p.Ser173Arg (NM_001130955.2); c.207T>A, p.Ser69Arg (NM_001367824.1, NM_015318.4); short protein forms S69R, S173R, S415R.
Identifiers: ClinVar variation 1941589 (VCV001941589.5), dbSNP rs1600455553, ClinGen allele CA403099892.

ClinVar aggregate classification (germline): Uncertain significance (1 of 4 stars; one submission).

gnomAD v4.1: 1 of 1,613,250 alleles (0.000062%); highest among the groups gnomAD compares: Admixed American, 0.0017%; no homozygotes.

Submission:

Labcorp Genetics (formerly Invitae), Labcorp
Classification: Uncertain significance. Last evaluated: 2021-12-23. Review status: criteria provided, single submitter. Criteria: Invitae Variant Classification Sherloc (09022015). Collection method: clinical testing. Allele origin: germline.
Comment: This variant is not present in population databases (gnomAD no frequency). This variant has not been reported in the literature in individuals affected with ARHGEF18-related conditions. Algorithms developed to predict the effect of missense changes on protein structure and function output the following: SIFT: "Deleterious"; PolyPhen-2: "Benign"; Align-GVGD: "Class C0". The arginine amino acid residue is found in multiple mammalian species, which suggests that this missense change does not adversely affect protein function. In summary, the available evidence is currently insufficient to determine the role of this variant in disease. Therefore, it has been classified as a Variant of Uncertain Significance. This sequence change replaces serine, which is neutral and polar, with arginine, which is basic and polar, at codon 227 of the ARHGEF18 protein (p.Ser227Arg).